The following is an entry in ClinVar:

NM_030962.4(SBF2):c.402+15G>A

Gene: SBF2 (SET binding factor 2; minus strand). Cytogenetic location: 11p15.4.
Variant type: single nucleotide variant.
Coding change: c.402+15G>A on transcript NM_030962.4 (MANE Select); 15 bases into the intron after coding-DNA position 402, G replaced by A.
Molecular consequence: intron variant.
Genome position (GRCh38, 1-based): chr11:10,031,033, C>T on the plus strand (G>A on the coding strand, the complement: SBF2 is on the minus strand). VCF-style: chr11-10031033-C-T. GRCh37 (hg19) VCF-style: chr11-10052580-C-T.
Other names: c.402+15G>A (NM_001386342.1, NM_001386339.1).
Identifiers: ClinVar variation 386863 (VCV000386863.6), dbSNP rs780717348, ClinGen allele CA5882137.

ClinVar aggregate classification (germline): Likely benign. Review status: criteria provided, multiple submitters, no conflicts (2 of 4 stars). 2 submissions from 2 submitters: Likely benign (2). Last evaluated 2025-02-07.

Conditions:
Charcot-Marie-Tooth disease type 4. Also called: Charcot-Marie-Tooth disease, type IV; Charcot-Marie-Tooth, Type 4. Identifiers: Orphanet 64749, MedGen C4082197, MONDO:0018995.

Allele frequency attached by ClinVar (database versions not stated): gnomAD exomes 0.00001 and 0.00002; TOPMed 0.00001; ExAC 0.00002.
gnomAD v4.1: 19 of 1,603,760 alleles (0.0012%); highest among the groups gnomAD compares: Admixed American, 0.0033%; no homozygotes.

Submissions (2):

Labcorp Genetics (formerly Invitae), Labcorp
Classification: Likely benign for Charcot-Marie-Tooth disease type 4. Last evaluated: 2025-02-07. Review status: criteria provided, single submitter. Criteria: Invitae Variant Classification Sherloc (09022015). Collection method: clinical testing. Allele origin: germline.

GeneDx
Classification: Likely benign. Last evaluated: 2016-06-10. Review status: criteria provided, single submitter. Criteria: GeneDx Variant Classification (06012015). Collection method: clinical testing. Allele origin: germline. Affected: yes.
Comment: This variant is considered likely benign or benign based on one or more of the following criteria: it is a conservative change, it occurs at a poorly conserved position in the protein, it is predicted to be benign by multiple in silico algorithms, and/or has population frequency not consistent with disease.